The following is an entry in ClinVar:

NM_020975.6(RET):c.135= (p.Ala45=)

Gene: RET (ret proto-oncogene; plus strand). Cytogenetic location: 10q11.21.
Variant type: single nucleotide variant.
Coding change: c.135= on transcript NM_020975.6 (MANE Select); coding-DNA position 135, no change from the reference sequence.
Protein change: p.Ala45=; no amino-acid change (alanine 45 retained).
Molecular consequence: no sequence alteration. On other transcripts: synonymous variant (2), intron variant (4).
Genome position: GRCh38 VCF-style: chr10-43100520-A-A. GRCh37 (hg19) VCF-style: chr10-43595968-A-A.
Other names: A45A; p.A45A:GCG>GCA; c.135A=, p.Ala45= (NM_000323.2, NM_020629.2); c.135=, p.Ala45= (NM_001406743.1, NM_001406744.1, NM_001406759.1 and 32 more transcripts); c.74-8511= (NM_001406784.1); c.74-11579= (NM_001406794.1, NM_001406792.1, NM_001406793.1).
Identifiers: ClinVar variation 13940 (VCV000013940.20), dbSNP rs1800858.

ClinVar aggregate classification (germline): Benign. Review status: criteria provided, multiple submitters, no conflicts (2 of 4 stars). 5 submissions from 5 submitters: Benign (4). 1 of the submissions does not count toward it. Last evaluated 2026-02-04.

Conditions:
Multiple endocrine neoplasia, type 2 (MEN2). Identifiers: Orphanet 653, MedGen C4048306, MONDO:0019003. Disease mechanism: gain of function.
Hirschsprung disease, susceptibility to, 1 (HSCR1). Also called: RET-Related Hirschsprung Disease. Identifiers: Orphanet 388, MedGen C3888239, MONDO:0007723, OMIM 142623.

Allele frequency attached by ClinVar (database versions not stated): gnomAD exomes 0.25906 and 0.26884; ExAC 0.26347; gnomAD 0.21483 and 0.20726; 1000 Genomes Project 30x 0.23376; 1000 Genomes Project 0.24641; TOPMed 0.19688.

Submissions (5):

Labcorp Genetics (formerly Invitae), Labcorp
Classification: Benign for Multiple endocrine neoplasia, type 2. Last evaluated: 2026-02-04. Review status: criteria provided, single submitter. Criteria: Invitae Variant Classification Sherloc (09022015). Collection method: clinical testing. Allele origin: germline.

Laboratory for Molecular Medicine, Mass General Brigham Personalized Medicine
Classification: Benign. Last evaluated: 2018-03-12. Review status: criteria provided, single submitter. Criteria: LMM Criteria. Collection method: clinical testing. Allele origin: germline. Observed: 3 variant alleles.
Comment: p.Ala35Ala in exon 2 of RET: This variant is not expected to have clinical signi ficance because it has been identified in 26.5% (72821/275336) of chromosomes in the Genome Aggregation Database (gnomAD; dbS NP rs1800858). There are several studies suggesting that the presence of this va riant in the heterozygous or homozygous state may be associated with a risk for Hirschprungs disease; however, the study sizes are limited and an updated study taking into account the high prevalence of this variant in the general populatio n would be necessary to clarify the association of this variant to disease. ACMG /AMP Criteria Applied: BA1.

GeneDx
Classification: Benign. Last evaluated: 2017-12-28. Review status: criteria provided, single submitter. Criteria: GeneDx Variant Classification (06012015). Collection method: clinical testing. Allele origin: germline. Affected: yes.
Comment: This variant is considered likely benign or benign based on one or more of the following criteria: it is a conservative change, it occurs at a poorly conserved position in the protein, it is predicted to be benign by multiple in silico algorithms, and/or has population frequency not consistent with disease.

Athena Diagnostics
Classification: Benign. Last evaluated: 2017-09-08. Review status: criteria provided, single submitter. Criteria: Athena Diagnostics Criteria. Collection method: clinical testing. Allele origin: germline.

OMIM
Classification: risk factor for HIRSCHSPRUNG DISEASE, SUSCEPTIBILITY TO, 1. Last evaluated: 2000-08-01. Review status: no assertion criteria provided. Collection method: literature only. Allele origin: germline. Not counted in ClinVar's aggregate classification.

Literature cited by the submitters: PubMed 10521317 (cited by OMIM); PubMed 8001158 (cited by OMIM); PubMed 10090908 (cited by OMIM); PubMed 10922382 (cited by OMIM).